The following is an entry in ClinVar:

NC_000006.11:g.(?_66094259)_(66205886_?)dup

Gene: EYS (eyes shut homolog; minus strand). Cytogenetic location: 6q12.
Variant type: Duplication.
Identifiers: ClinVar variation 2423860 (VCV002423860.2).

ClinVar aggregate classification (germline): Uncertain significance (1 of 4 stars; one submission).

Submission:

Labcorp Genetics (formerly Invitae), Labcorp
Classification: Uncertain significance. Last evaluated: 2022-08-16. Review status: criteria provided, single submitter. Criteria: Invitae Variant Classification Sherloc (09022015). Collection method: clinical testing. Allele origin: germline.
Comment: This variant results in a copy number gain of the genomic region encompassing exon(s) 3-8 of the EYS gene. This region includes the initiator codon of the gene. This copy number gain extends beyond the assayed region for this gene and therefore may encompass additional genes. As the precise location of this event is unknown, it may be in tandem or it may be located elsewhere in the genome. This variant has not been reported in the literature in individuals affected with EYS-related conditions. In summary, the available evidence is currently insufficient to determine the role of this variant in disease. Therefore, it has been classified as a Variant of Uncertain Significance.